The following is an entry in ClinVar:

ClinVar aggregate classification (germline): Pathogenic (1 of 4 stars; one submission).

Conditions:
Obesity due to prohormone convertase I deficiency. Also called: OBESITY AND ENDOCRINOPATHY DUE TO IMPAIRED PROCESSING OF PROHORMONES. Identifiers: Orphanet 71528, MedGen C1833053, MONDO:0010961, OMIM 600955.

gnomAD v4.1: 15 of 1,613,098 alleles (0.00093%); highest among the groups gnomAD compares: Non-Finnish European, 0.0013%; no homozygotes.

Submission:

Aleixo Muise Laboratory, Hospital For Sick Children
Classification: Pathogenic for Obesity due to prohormone convertase I deficiency. Last evaluated: 2024-07-05. Review status: criteria provided, single submitter. Criteria: ACMG Guidelines, 2015. Collection method: research. Allele origin: germline. Affected: yes. Observed: 1 variant allele.
Comment: PVS1;PM2;PP3;PP4

NM_000439.5(PCSK1):c.1213C>T (p.Arg405Ter)

Genes: CAST (calpastatin; plus strand), PCSK1 (proprotein convertase subtilisin/kexin type 1; minus strand), LOC101929710 (uncharacterized LOC101929710; plus strand). Cytogenetic location: 5q15.
Variant type: single nucleotide variant.
Coding change: c.1213C>T on transcript NM_000439.5 (MANE Select); coding-DNA position 1213, C replaced by T.
Protein change: p.Arg405Ter; replaces arginine 405 with a stop codon.
Molecular consequence: nonsense. On other transcripts: intron variant (11).
Genome position (GRCh38, 1-based): chr5:96,400,170, G>A on the plus strand (C>T on the coding strand, the complement: PCSK1 is on the minus strand). VCF-style: chr5-96400170-G-A. GRCh37 (hg19) VCF-style: chr5-95735874-G-A.
Other names: c.1072C>T, p.Arg358Ter (NM_001177875.2); c.-175+20518G>A (NM_001423254.1, NM_001423259.1, NM_001423255.1 and 6 more transcripts); c.-103+20518G>A (NM_001423253.1); c.-40+20518G>A (NM_001423258.1); short protein forms R358*, R405*.
Identifiers: ClinVar variation 3255344 (VCV003255344.1).